The following is an entry in ClinVar:

NM_016955.4(SEPSECS):c.*681A>C

Gene: SEPSECS (Sep (O-phosphoserine) tRNA:Sec (selenocysteine) tRNA synthase; minus strand). Cytogenetic location: 4p15.2.
Variant type: single nucleotide variant.
Coding change: c.*681A>C on transcript NM_016955.4 (MANE Select); 681 bases downstream of the stop codon, A replaced by C.
Molecular consequence: 3 prime UTR variant.
Genome position (GRCh38, 1-based): chr4:25,123,250, T>G on the plus strand (A>C on the coding strand, the complement: SEPSECS is on the minus strand). VCF-style: chr4-25123250-T-G. GRCh37 (hg19) VCF-style: chr4-25124872-T-G.
Identifiers: ClinVar variation 348537 (VCV000348537.6), dbSNP rs76926200, ClinGen allele CA10618579.

ClinVar aggregate classification (germline): Benign. Review status: criteria provided, multiple submitters, no conflicts (2 of 4 stars). 2 submissions from 2 submitters: Benign (2). Last evaluated 2018-01-12.

Conditions:
Pontocerebellar hypoplasia type 2D (PCH2D). Also called: Progressive cerebello-cerebral atrophy. Identifiers: Orphanet 247198, Orphanet 2524, MedGen C3151140, MONDO:0013438, OMIM 613811.

Allele frequency attached by ClinVar (database versions not stated): gnomAD 0.01112 and 0.01167; TOPMed 0.01295; 1000 Genomes Project 0.01478; 1000 Genomes Project 30x 0.01499.

Submissions (2):

Illumina Laboratory Services, Illumina
Classification: Benign for Pontocerebellar hypoplasia type 2D. Last evaluated: 2018-01-12. Review status: criteria provided, single submitter. Criteria: ICSL Variant Classification Criteria 13 December 2019. Collection method: clinical testing. Allele origin: germline.
Comment: This variant was observed in the ICSL laboratory as part of a predisposition screen in an ostensibly healthy population. It had not been previously curated by ICSL or reported in the Human Gene Mutation Database (HGMD: prior to June 1st, 2018), and was therefore a candidate for classification through an automated scoring system. Utilizing variant allele frequency, disease prevalence and penetrance estimates, and inheritance mode, an automated score was calculated to assess if this variant is too frequent to cause the disease. Based on the score and internal cut-off values, a variant classified as benign is not then subjected to further curation. The score for this variant resulted in a classification of benign for this disease.

Breakthrough Genomics
Classification: Benign. Review status: criteria provided, single submitter. Criteria: ACMG Guidelines, 2015. Collection method: not provided. Allele origin: germline. Inheritance: Autosomal recessive inheritance. Affected: yes.